The following is an entry in ClinVar:

NM_001006630.2(CHRM2):c.986C>T (p.Thr329Ile)

Genes: CHRM2 (cholinergic receptor muscarinic 2; plus strand), LOC349160 (uncharacterized LOC349160; minus strand). Cytogenetic location: 7q33.
Variant type: single nucleotide variant.
Coding change: c.986C>T on transcript NM_001006630.2 (MANE Select); coding-DNA position 986, C replaced by T.
Protein change: p.Thr329Ile; replaces threonine 329 with isoleucine.
Molecular consequence: missense variant.
Genome position (GRCh38, 1-based): chr7:137,015,851, C>T. VCF-style: chr7-137015851-C-T. GRCh37 (hg19) VCF-style: chr7-136700598-C-T.
Other names: c.986C>T, p.Thr329Ile (NM_000739.3, NM_001006626.3, NM_001006627.3 and 6 more transcripts); short protein forms T329I.
Identifiers: ClinVar variation 4790088 (VCV004790088.1).

ClinVar aggregate classification (germline): Uncertain significance (1 of 4 stars; one submission).

gnomAD v4.1: 14 of 1,612,984 alleles (0.00087%); highest among the groups gnomAD compares: Non-Finnish European, 0.0011%; no homozygotes.

Submission:

Labcorp Genetics (formerly Invitae), Labcorp
Classification: Uncertain significance. Last evaluated: 2025-03-05. Review status: criteria provided, single submitter. Criteria: Invitae Variant Classification Sherloc (09022015). Collection method: clinical testing. Allele origin: germline.
Comment: This sequence change replaces threonine, which is neutral and polar, with isoleucine, which is neutral and non-polar, at codon 329 of the CHRM2 protein (p.Thr329Ile). This variant is not present in population databases (gnomAD no frequency). This variant has not been reported in the literature in individuals affected with CHRM2-related conditions. An algorithm developed to predict the effect of missense changes on protein structure and function (PolyPhen-2) suggests that this variant is likely to be disruptive. In summary, the available evidence is currently insufficient to determine the role of this variant in disease. Therefore, it has been classified as a Variant of Uncertain Significance.